The following is an entry in ClinVar:

ClinVar aggregate classification (germline): Pathogenic. Review status: criteria provided, multiple submitters, no conflicts (2 of 4 stars). 2 submissions from 2 submitters: Pathogenic (2). Last evaluated 2025-10-25.

Conditions:
Familial cancer of breast. Also called: hereditary breast carcinoma; BREAST CANCER, FAMILIAL; Hereditary breast cancer. Identifiers: Orphanet 227535, MedGen C0346153, MONDO:0016419, OMIM 114480. Disease mechanism: loss of function.
Ataxia-telangiectasia syndrome (AT). Also called: Ataxia-telangiectasia, complementation group E; LOUIS-BAR SYNDROME; Ataxia-telangiectasia, complementation group D; AT, COMPLEMENTATION GROUP C; Ataxia-telangiectasia; Cerebello-oculocutaneous telangiectasia. Identifiers: Orphanet 100, MedGen C0004135, MONDO:0008840, OMIM 208900.

Submissions (2):

Labcorp Genetics (formerly Invitae), Labcorp
Classification: Pathogenic for Ataxia-telangiectasia syndrome. Last evaluated: 2025-10-25. Review status: criteria provided, single submitter. Criteria: Invitae Variant Classification Sherloc (09022015). Collection method: clinical testing. Allele origin: germline.
Comment: This sequence change creates a premature translational stop signal (p.Val1038Lysfs*9) in the ATM gene. It is expected to result in an absent or disrupted protein product. Loss-of-function variants in ATM are known to be pathogenic (PMID: 23807571, 25614872). This variant is not present in population databases (gnomAD no frequency). This variant has not been reported in the literature in individuals affected with ATM-related conditions. ClinVar contains an entry for this variant (Variation ID: 1455267). Algorithms developed to predict the effect of sequence changes on RNA splicing suggest that this variant may disrupt the consensus splice site. For these reasons, this variant has been classified as Pathogenic.

Myriad Genetics, Inc.
Classification: Pathogenic for Familial cancer of breast. Last evaluated: 2024-01-18. Review status: criteria provided, single submitter. Criteria: Myriad Autosomal Dominant, Autosomal Recessive and X-Linked Classification Criteria (2023). Collection method: clinical testing. Allele origin: unknown.
Comment: This variant is considered pathogenic. This variant creates a frameshift predicted to result in premature protein truncation.

Literature cited by the submitters: PubMed 23807571 (cited by Labcorp Genetics (formerly Invitae), Labcorp); PubMed 25614872 (cited by Labcorp Genetics (formerly Invitae), Labcorp).

NM_000051.4(ATM):c.3112_3113del (p.Val1038fs)

Gene: ATM (ATM serine/threonine kinase; plus strand). Cytogenetic location: 11q22.3.
Variant type: Deletion.
Coding change: c.3112_3113del on transcript NM_000051.4 (MANE Select); coding-DNA positions 3112 to 3113, 2 bases deleted (GT; older notation c.3112_3113delGT).
Protein change: p.Val1038fs; shifts the reading frame from valine 1038.
Molecular consequence: frameshift variant.
Genome position (GRCh38, 1-based): chr11:108,272,566-108,272,567, GT deleted; deleting any 2 consecutive bases within chr11:108,272,565-108,272,567 gives the same sequence; the c. name uses the placement nearest the transcript's 3' end. VCF-style (leftmost placement, unchanged base first): chr11-108272564-CTG-C. GRCh37 (hg19) VCF-style: chr11-108143291-CTG-C.
Other names: c.3112_3113del, p.Val1038fs (NM_001351834.2); short protein forms V1038fs.
Identifiers: ClinVar variation 1455267 (VCV001455267.7), dbSNP rs2135565843, ClinGen allele CA2573146632.